The following is an entry in ClinVar:

NM_001372.4(DNAH9):c.9672G>A (p.Ser3224=)

Gene: DNAH9 (dynein axonemal heavy chain 9; plus strand). Cytogenetic location: 17p12.
Variant type: single nucleotide variant.
Coding change: c.9672G>A on transcript NM_001372.4 (MANE Select); coding-DNA position 9672, G replaced by A.
Protein change: p.Ser3224=; no amino-acid change (serine 3224 retained).
Molecular consequence: synonymous variant.
Genome position (GRCh38, 1-based): chr17:11,854,167, G>A. VCF-style: chr17-11854167-G-A. GRCh37 (hg19) VCF-style: chr17-11757484-G-A.
Identifiers: ClinVar variation 3034808 (VCV003034808.2), dbSNP rs201355369, ClinGen allele CA8397280.

ClinVar aggregate classification (germline): Likely benign (0 of 4 stars; one submission).

Conditions:
DNAH9-related disorder. Also called: DNAH9-related condition.

Allele frequency attached by ClinVar (database versions not stated): gnomAD 0.00001; gnomAD exomes 0.00003; TOPMed 0.00003; ExAC 0.00007.
gnomAD v4.1: 43 of 1,613,962 alleles (0.0027%); highest among the groups gnomAD compares: South Asian, 0.025%; no homozygotes.

Submission:

PreventionGenetics, part of Exact Sciences
Classification: Likely benign for DNAH9-related condition. Last evaluated: 2019-08-09. Review status: no assertion criteria provided. Collection method: clinical testing. Allele origin: germline.
Comment: This variant is classified as likely benign based on ACMG/AMP sequence variant interpretation guidelines (Richards et al. 2015 PMID: 25741868, with internal and published modifications).